The following is an entry in ClinVar:

ClinVar aggregate classification (germline): Uncertain significance. Review status: criteria provided, multiple submitters, no conflicts (2 of 4 stars). 2 submissions from 2 submitters: Uncertain significance (2). Last evaluated 2025-01-03.

Conditions:
Giant axonal neuropathy 1 (GAN1). Also called: GIANT AXONAL NEUROPATHY 1, AUTOSOMAL RECESSIVE; GAN-Related Neurodegeneration. Identifiers: Orphanet 643, MedGen C1850386, MONDO:0009749, OMIM 256850.
Inborn genetic diseases. Identifiers: MedGen C0950123, MeSH D030342.

gnomAD v4.1: 4 of 1,613,978 alleles (0.00025%); highest among the groups gnomAD compares: African/African-American, 0.0053%; no homozygotes.

Submissions (2):

Ambry Genetics
Classification: Uncertain significance for Inborn genetic diseases. Last evaluated: 2025-01-03. Review status: criteria provided, single submitter. Criteria: Ambry Variant Classification Scheme 2023. Collection method: clinical testing. Allele origin: germline.

Labcorp Genetics (formerly Invitae), Labcorp
Classification: Uncertain significance for Giant axonal neuropathy 1. Last evaluated: 2022-04-04. Review status: criteria provided, single submitter. Criteria: Invitae Variant Classification Sherloc (09022015). Collection method: clinical testing. Allele origin: germline.
Comment: This sequence change replaces threonine, which is neutral and polar, with isoleucine, which is neutral and non-polar, at codon 553 of the GAN protein (p.Thr553Ile). This variant is present in population databases (no rsID available, gnomAD 0.01%). This variant has not been reported in the literature in individuals affected with GAN-related conditions. Algorithms developed to predict the effect of missense changes on protein structure and function are either unavailable or do not agree on the potential impact of this missense change (SIFT: "Tolerated"; PolyPhen-2: "Possibly Damaging"; Align-GVGD: "Class C0"). In summary, the available evidence is currently insufficient to determine the role of this variant in disease. Therefore, it has been classified as a Variant of Uncertain Significance.

NM_022041.4(GAN):c.1658C>T (p.Thr553Ile)

Gene: GAN (gigaxonin; plus strand). Cytogenetic location: 16q23.2.
Variant type: single nucleotide variant.
Coding change: c.1658C>T on transcript NM_022041.4 (MANE Select); coding-DNA position 1658, C replaced by T.
Protein change: p.Thr553Ile; replaces threonine 553 with isoleucine.
Molecular consequence: missense variant.
Genome position (GRCh38, 1-based): chr16:81,377,460, C>T. VCF-style: chr16-81377460-C-T. GRCh37 (hg19) VCF-style: chr16-81411065-C-T.
Other names: c.1019C>T, p.Thr340Ile (NM_001377486.1); short protein forms T340I, T553I.
Identifiers: ClinVar variation 1945533 (VCV001945533.6), dbSNP rs759200321, ClinGen allele CA396892354.
Genomic context (GRCh38, chr16:81,377,460, plus strand): 5'-ATTTCTGTGGCTTAGGTACCAATTACGACTACGTGCGTGAGTTTAAAAGAAGCACAGGAA[C>T]CTGGCACCACACTAAACCACTCCTTCCATCCGACCTTCGCCGTACAGGATGTGCAGCCTT-3'
Protein context (NP_071324.1, residues 543-563): YVREFKRSTG[Thr553Ile]WHHTKPLLPS